The following is an entry in ClinVar:

NM_014865.4(NCAPD2):c.1142G>A (p.Arg381Gln)

Gene: NCAPD2 (non-SMC condensin I complex subunit D2; plus strand). Cytogenetic location: 12p13.31.
Variant type: single nucleotide variant.
Coding change: c.1142G>A on transcript NM_014865.4 (MANE Select); coding-DNA position 1142, G replaced by A.
Protein change: p.Arg381Gln; replaces arginine 381 with glutamine.
Molecular consequence: missense variant.
Genome position (GRCh38, 1-based): chr12:6,516,982, G>A. VCF-style: chr12-6516982-G-A. GRCh37 (hg19) VCF-style: chr12-6626148-G-A.
Other names: short protein forms R381Q.
Identifiers: ClinVar variation 3373184 (VCV003373184.1).

ClinVar aggregate classification (germline): Uncertain significance (1 of 4 stars; one submission).

Submission:

GeneDx
Classification: Uncertain significance. Last evaluated: 2024-02-27. Review status: criteria provided, single submitter. Criteria: GeneDx Variant Classification Process June 2021. Collection method: clinical testing. Allele origin: germline. Affected: yes.
Comment: Not observed at significant frequency in large population cohorts (gnomAD); In silico analysis supports that this missense variant has a deleterious effect on protein structure/function; Has not been previously published as pathogenic or benign to our knowledge